The following is an entry in ClinVar:

NM_001854.4(COL11A1):c.1308+20C>A

Gene: COL11A1 (collagen type XI alpha 1 chain; minus strand). Cytogenetic location: 1p21.1.
Variant type: single nucleotide variant.
Coding change: c.1308+20C>A on transcript NM_001854.4 (MANE Select); 20 bases into the intron after coding-DNA position 1308, C replaced by A.
Molecular consequence: intron variant.
Genome position (GRCh38, 1-based): chr1:103,021,687, G>T on the plus strand (C>A on the coding strand, the complement: COL11A1 is on the minus strand). VCF-style: chr1-103021687-G-T. GRCh37 (hg19) VCF-style: chr1-103487243-G-T.
Other names: c.1191+20C>A (NM_001190709.2); c.1344+20C>A (NM_080629.3); c.960+20C>A (NM_080630.4).
Identifiers: ClinVar variation 681789 (VCV000681789.5), dbSNP rs750685039, ClinGen allele CA975046.
Genomic context (GRCh38, chr1:103,021,687, plus strand): 5'-AACATACATAATAATTTAACATAATCGTGGCTCATAAGCAATTTTACCAACCTTTAAAGT[G>T]TATTCACACTACTACTTACAGGCTCAACCACTGCTGGTTCTCCTTTCTGTCCTTTCTCTC-3'

ClinVar aggregate classification (germline): Likely benign. Review status: criteria provided, multiple submitters, no conflicts (2 of 4 stars). 2 submissions from 2 submitters: Likely benign (2). Last evaluated 2024-09-22.

Allele frequency attached by ClinVar (database versions not stated): gnomAD exomes below 0.00001; ExAC 0.00001.
gnomAD v4.1: 6 of 1,560,034 alleles (0.00038%); highest among the groups gnomAD compares: Non-Finnish European, 0.00053%; no homozygotes.

Submissions (2):

Labcorp Genetics (formerly Invitae), Labcorp
Classification: Likely benign. Last evaluated: 2024-09-22. Review status: criteria provided, single submitter. Criteria: Invitae Variant Classification Sherloc (09022015). Collection method: clinical testing. Allele origin: germline.

GeneDx
Classification: Likely benign. Last evaluated: 2018-04-11. Review status: criteria provided, single submitter. Criteria: GeneDx Variant Classification (06012015). Collection method: clinical testing. Allele origin: germline. Affected: yes.
Comment: This variant is considered likely benign or benign based on one or more of the following criteria: it is a conservative change, it occurs at a poorly conserved position in the protein, it is predicted to be benign by multiple in silico algorithms, and/or has population frequency not consistent with disease.